The following is an entry in ClinVar:

NM_001714.4(BICD1):c.213+75_213+77del

Gene: BICD1 (BICD cargo adaptor 1; plus strand). Cytogenetic location: 12p11.21.
Variant type: Microsatellite.
Coding change: c.213+75_213+77del on transcript NM_001714.4 (MANE Select); bases 75 to 77 of the intron after coding-DNA position 213, 3 bases deleted (AAG; older notation c.213+75_213+77delAAG).
Molecular consequence: intron variant.
Genome position (GRCh38, 1-based): chr12:32,107,619-32,107,621, AAG deleted; deleting any 3 consecutive bases within chr12:32,107,616-32,107,621 gives the same sequence; the c. name uses the placement nearest the transcript's 3' end. VCF-style (leftmost placement, unchanged base first): chr12-32107615-CAAG-C. GRCh37 (hg19) VCF-style: chr12-32260549-CAAG-C.
Other names: c.213+75_213+77del (NM_001413164.1, NM_001413155.1, NM_001413169.1 and 29 more transcripts); c.214-43_214-41del (NM_001413182.1).
Identifiers: ClinVar variation 2642834 (VCV002642834.24), dbSNP rs541157159, ClinGen allele CA6505953.

ClinVar aggregate classification (germline): Likely benign (1 of 4 stars; one submission).

Submission:

CeGaT Center for Human Genetics Tuebingen
Classification: Likely benign. Last evaluated: 2022-12-01. Review status: criteria provided, single submitter. Criteria: CeGaT Center For Human Genetics Tuebingen Variant Classification Criteria Version 2. Collection method: clinical testing. Allele origin: germline. Affected: yes. Observed: 1 variant allele.
Comment: BICD1: BS2